The following is an entry in ClinVar:

ClinVar aggregate classification (germline): Uncertain significance (1 of 4 stars; one submission).

Submission:

Ambry Genetics
Classification: Uncertain significance. Last evaluated: 2026-05-28. Review status: criteria provided, single submitter. Criteria: Ambry Variant Classification Scheme 2023. Collection method: clinical testing. Allele origin: germline.
Comment: The c.973G>A (p.A325T) alteration is located in exon 8 (coding exon 8) of the GABRB1 gene. This alteration results from a G to A substitution at nucleotide position 973, causing the alanine (A) at amino acid position 325 to be replaced by a threonine (T). This variant was not reported in population-based cohorts in the Genome Aggregation Database (gnomAD). This amino acid position is highly conserved in available vertebrate species. This missense variant is located in a region that has a low rate of benign missense variation (Lek, 2016; Firth, 2009). This alteration is predicted to be deleterious by in silico analysis. Based on insufficient or conflicting evidence, the clinical significance of this alteration remains unclear.

NM_000812.4(GABRB1):c.973G>A (p.Ala325Thr)

Gene: GABRB1 (gamma-aminobutyric acid type A receptor subunit beta1; plus strand). Cytogenetic location: 4p12.
Variant type: single nucleotide variant.
Coding change: c.973G>A on transcript NM_000812.4 (MANE Select); coding-DNA position 973, G replaced by A.
Protein change: p.Ala325Thr; replaces alanine 325 with threonine.
Molecular consequence: missense variant.
Genome position (GRCh38, 1-based): chr4:47,406,819, G>A. VCF-style: chr4-47406819-G-A. GRCh37 (hg19) VCF-style: chr4-47408836-G-A.
Other names: short protein forms A325T.
Identifiers: ClinVar variation 4871622 (VCV004871622.1).